The following is an entry in ClinVar:

NM_031844.3(HNRNPU):c.535G>A (p.Ala179Thr)

Gene: HNRNPU (heterogeneous nuclear ribonucleoprotein U; minus strand). Cytogenetic location: 1q44.
Variant type: single nucleotide variant.
Coding change: c.535G>A on transcript NM_031844.3 (MANE Select); coding-DNA position 535, G replaced by A.
Protein change: p.Ala179Thr; replaces alanine 179 with threonine.
Molecular consequence: missense variant.
Genome position (GRCh38, 1-based): chr1:244,863,773, C>T on the plus strand (G>A on the coding strand, the complement: HNRNPU is on the minus strand). VCF-style: chr1-244863773-C-T. GRCh37 (hg19) VCF-style: chr1-245027075-C-T.
Other names: c.535G>A, p.Ala179Thr (NM_004501.3); c.535G>A (NM_031844.2); short protein forms A179T.
Identifiers: ClinVar variation 2084535 (VCV002084535.7), dbSNP rs527410720, ClinGen allele CA40505070.

ClinVar aggregate classification (germline): Conflicting classifications of pathogenicity. Review status: criteria provided, conflicting classifications (1 of 4 stars). 2 submissions from 2 submitters: Uncertain significance (1); Likely benign (1). Last evaluated 2025-07-28.

Conditions:
Developmental and epileptic encephalopathy, 54. Also called: Epileptic encephalopathy, early infantile, 54; HNRNPU-Related Neurodevelopmental Disorder. Identifiers: MedGen C4479319, MONDO:0033363, OMIM 617391.
Inborn genetic diseases. Identifiers: MedGen C0950123, MeSH D030342.

Allele frequency attached by ClinVar (database versions not stated): gnomAD exomes below 0.00001; TOPMed below 0.00001; gnomAD 0.00001; 1000 Genomes Project 30x 0.00016; 1000 Genomes Project 0.00020.
gnomAD v4.1: 6 of 1,597,032 alleles (0.00038%); highest among the groups gnomAD compares: Admixed American, 0.0017%; no homozygotes.

Submissions (2):

Labcorp Genetics (formerly Invitae), Labcorp
Classification: Uncertain significance for Developmental and epileptic encephalopathy, 54. Last evaluated: 2025-07-28. Review status: criteria provided, single submitter. Criteria: Invitae Variant Classification Sherloc (09022015). Collection method: clinical testing. Allele origin: germline.
Comment: This sequence change replaces alanine, which is neutral and non-polar, with threonine, which is neutral and polar, at codon 179 of the HNRNPU protein (p.Ala179Thr). The frequency data for this variant in the population databases is considered unreliable, as metrics indicate poor data quality at this position in the gnomAD database. This variant has not been reported in the literature in individuals affected with HNRNPU-related conditions. ClinVar contains an entry for this variant (Variation ID: 2084535). Invitae Evidence Modeling of protein sequence and biophysical properties (such as structural, functional, and spatial information, amino acid conservation, physicochemical variation, residue mobility, and thermodynamic stability) indicates that this missense variant is not expected to disrupt HNRNPU protein function with a negative predictive value of 95%. In summary, the available evidence is currently insufficient to determine the role of this variant in disease. Therefore, it has been classified as a Variant of Uncertain Significance.

Ambry Genetics
Classification: Likely benign for Inborn genetic diseases. Last evaluated: 2024-06-11. Review status: criteria provided, single submitter. Criteria: Ambry Variant Classification Scheme 2023. Collection method: clinical testing. Allele origin: germline.

Literature cited by the submitters: PubMed 36413997 (cited by Ambry Genetics).